The following is an entry in ClinVar:

NM_001387430.1(SH2B1):c.1285G>A (p.Glu429Lys)

Gene: SH2B1 (SH2B adaptor protein 1; plus strand). Cytogenetic location: 16p11.2.
Variant type: single nucleotide variant.
Coding change: c.1285G>A on transcript NM_001387430.1 (MANE Select); coding-DNA position 1285, G replaced by A.
Protein change: p.Glu429Lys; replaces glutamic acid 429 with lysine.
Molecular consequence: missense variant.
Genome position (GRCh38, 1-based): chr16:28,869,359, G>A. VCF-style: chr16-28869359-G-A. GRCh37 (hg19) VCF-style: chr16-28880680-G-A.
Other names: c.1285G>A, p.Glu429Lys (NM_001145795.2, NM_001145796.2, NM_001308293.2 and 4 more transcripts); c.277G>A, p.Glu93Lys (NM_001308294.2); short protein forms E93K, E429K.
Identifiers: ClinVar variation 2248289 (VCV002248289.5), dbSNP rs201309896, ClinGen allele CA7986150.
Genomic context (GRCh38, chr16:28,869,359, plus strand): 5'-CTGTCCTGCCTGAATCACTCGGAGAGTCTACCCAGCCAGGACCTGCTGCTTGGACCCAGC[G>A]AGAGCAATGACCGCCTGTCGCAGGGTAAGGGTGGAGCCTTAGAGAGCTCGGAGCCTCGGA-3'
Protein context (NP_001374359.1, residues 419-439): PSQDLLLGPS[Glu429Lys]SNDRLSQGAY

ClinVar aggregate classification (germline): Uncertain significance. Review status: criteria provided, multiple submitters, no conflicts (2 of 4 stars). 3 submissions from 3 submitters: Uncertain significance (3). Last evaluated 2024-08-28.

Allele frequency attached by ClinVar (database versions not stated): ExAC 0.00001; gnomAD exomes 0.00001; 1000 Genomes Project 30x 0.00016; 1000 Genomes Project 0.00020.
gnomAD v4.1: 16 of 1,613,924 alleles (0.00099%); highest among the groups gnomAD compares: African/African-American, 0.008%; no homozygotes.

Submissions (3):

Labcorp Genetics (formerly Invitae), Labcorp
Classification: Uncertain significance. Last evaluated: 2024-08-28. Review status: criteria provided, single submitter. Criteria: Invitae Variant Classification Sherloc (09022015). Collection method: clinical testing. Allele origin: germline.
Comment: This sequence change replaces glutamic acid, which is acidic and polar, with lysine, which is basic and polar, at codon 429 of the SH2B1 protein (p.Glu429Lys). This variant is present in population databases (rs201309896, gnomAD 0.0009%). This variant has not been reported in the literature in individuals affected with SH2B1-related conditions. ClinVar contains an entry for this variant (Variation ID: 2248289). An algorithm developed to predict the effect of missense changes on protein structure and function (PolyPhen-2) suggests that this variant is likely to be disruptive. In summary, the available evidence is currently insufficient to determine the role of this variant in disease. Therefore, it has been classified as a Variant of Uncertain Significance.

GeneDx
Classification: Uncertain significance. Last evaluated: 2022-09-11. Review status: criteria provided, single submitter. Criteria: GeneDx Variant Classification Process June 2021. Collection method: clinical testing. Allele origin: germline. Affected: yes.
Comment: Not observed at significant frequency in large population cohorts (gnomAD); In silico analysis supports that this missense variant does not alter protein structure/function; Has not been previously published as pathogenic or benign to our knowledge

Ambry Genetics
Classification: Uncertain significance. Last evaluated: 2021-09-01. Review status: criteria provided, single submitter. Criteria: Ambry Variant Classification Scheme 2023. Collection method: clinical testing. Allele origin: germline.